The following is an entry in ClinVar:

ClinVar aggregate classification (germline): Benign/Likely benign. Review status: criteria provided, multiple submitters, no conflicts (2 of 4 stars). 4 submissions from 4 submitters: Benign (1); Likely benign (3). Last evaluated 2025-10-16.

Conditions:
Hereditary cancer-predisposing syndrome. Also called: Neoplastic Syndromes, Hereditary; Tumor predisposition; Hereditary Cancer Syndrome; Hereditary neoplastic syndrome. Identifiers: Orphanet 140162, MedGen C0027672, MeSH D009386, MONDO:0015356.
Familial cancer of breast. Also called: BREAST CANCER, FAMILIAL; hereditary breast carcinoma; Hereditary breast cancer. Identifiers: Orphanet 227535, MedGen C0346153, MONDO:0016419, OMIM 114480. Disease mechanism: loss of function.

Submissions (4):

Labcorp Genetics (formerly Invitae), Labcorp
Classification: Likely benign for Familial cancer of breast. Last evaluated: 2025-10-16. Review status: criteria provided, single submitter. Criteria: Invitae Variant Classification Sherloc (09022015). Collection method: clinical testing. Allele origin: germline.

Myriad Genetics, Inc.
Classification: Benign for Familial cancer of breast. Last evaluated: 2024-07-22. Review status: criteria provided, single submitter. Criteria: Myriad Autosomal Dominant, Autosomal Recessive and X-Linked Classification Criteria (2023). Collection method: clinical testing. Allele origin: unknown.
Comment: This variant is considered benign. This variant is a silent/synonymous amino acid change and it is not expected to impact splicing.

Ambry Genetics
Classification: Likely benign for Hereditary cancer-predisposing syndrome. Last evaluated: 2021-12-12. Review status: criteria provided, single submitter. Criteria: Ambry Variant Classification Scheme 2023. Collection method: clinical testing. Allele origin: germline.

Color Diagnostics, LLC DBA Color Health
Classification: Likely benign for Hereditary cancer-predisposing syndrome. Last evaluated: 2018-01-26. Review status: criteria provided, single submitter. Criteria: ACMG Guidelines, 2015. Collection method: clinical testing. Allele origin: germline.

NM_000465.4(BARD1):c.690C>T (p.Asp230=)

Gene: BARD1 (BRCA1 associated RING domain 1; minus strand). Cytogenetic location: 2q35.
Variant type: single nucleotide variant.
Coding change: c.690C>T on transcript NM_000465.4 (MANE Select); coding-DNA position 690, C replaced by T.
Protein change: p.Asp230=; no amino-acid change (aspartic acid 230 retained).
Molecular consequence: synonymous variant. On other transcripts: non-coding transcript variant (2), intron variant (3).
Genome position (GRCh38, 1-based): chr2:214,781,184, G>A on the plus strand (C>T on the coding strand, the complement: BARD1 is on the minus strand). VCF-style: chr2-214781184-G-A. GRCh37 (hg19) VCF-style: chr2-215645908-G-A.
Other names: c.633C>T, p.Asp211= (NM_001282543.2); c.158+28228C>T (NM_001282548.2); c.215+15877C>T (NM_001282545.2); c.364+11113C>T (NM_001282549.2).
Identifiers: ClinVar variation 460760 (VCV000460760.17), dbSNP rs587780034, ClinGen allele CA431391047.